The following is an entry in ClinVar:

ClinVar aggregate classification (germline): Conflicting classifications of pathogenicity. Review status: criteria provided, conflicting classifications (1 of 4 stars). 17 submissions from 13 submitters: Uncertain significance (3); Benign (6); Likely benign (5). 3 of the submissions do not count toward it. Last evaluated 2026-03-27.

Conditions:
TTN-related disorder. Also called: TTN-related disorders; TTN-related condition; TTN-related disease.
Cardiovascular phenotype. Identifiers: MedGen CN230736.
Dilated cardiomyopathy 1G (CMD1G). Identifiers: Orphanet 154, MedGen C1858763, MONDO:0011400, OMIM 604145.
Autosomal recessive limb-girdle muscular dystrophy type 2J (LGMDR10). Also called: MUSCULAR DYSTROPHY, LIMB-GIRDLE, AUTOSOMAL RECESSIVE 10; Limb-girdle muscular dystrophy, type 2J. Identifiers: Orphanet 140922, MedGen C1837342, MONDO:0012127, OMIM 608807.
Early-onset myopathy with fatal cardiomyopathy (CMYO5). Also called: CONGENITAL MYOPATHY 5 WITH CARDIOMYOPATHY; Salih Myopathy. Identifiers: Orphanet 289377, MedGen C2673677, MONDO:0012714, OMIM 611705. Disease mechanism: loss of function.
Myopathy, myofibrillar, 9, with early respiratory failure (MFM9). Also called: Myopathy, distal, with early respiratory failure, autosomal dominant; Hereditary myopathy with early respiratory failure; MYOPATHY, PROXIMAL, WITH EARLY RESPIRATORY MUSCLE INVOLVEMENT; EDSTROM MYOPATHY. Identifiers: Orphanet 178464, Orphanet 34521, MedGen C1863599, MONDO:0011362, OMIM 603689.
Tibial muscular dystrophy (TMD). Also called: Udd Distal Myopathy – Tibial Muscular Dystrophy; Tibial muscular dystrophy, tardive; UDD MYOPATHY. Identifiers: Orphanet 609, MedGen C1838244, MONDO:0010870, OMIM 600334.

Allele frequency attached by ClinVar (database versions not stated): gnomAD exomes 0.00010 and 0.00030; gnomAD 0.00086 and 0.00084; 1000 Genomes Project 30x 0.00141; TOPMed 0.00105; ESP Exome Variant Server 0.00113; ExAC 0.00033; 1000 Genomes Project 0.00100.
gnomAD v4.1: 280 of 1,613,746 alleles (0.017%); highest among the groups gnomAD compares: African/African-American, 0.26%; 1 homozygote.

Submissions (18):

Molecular Diagnostic Laboratory for Inherited Cardiovascular Disease, Montreal Heart Institute
Classification: Benign. Last evaluated: 2026-03-27. Review status: criteria provided, single submitter. Criteria: ACMG Guidelines, 2015. Collection method: clinical testing. Allele origin: germline. Affected: no.

Labcorp Genetics (formerly Invitae), Labcorp
Classification: Benign for Dilated cardiomyopathy 1G; Autosomal recessive limb-girdle muscular dystrophy type 2J. Last evaluated: 2026-02-02. Review status: criteria provided, single submitter. Criteria: Invitae Variant Classification Sherloc (09022015). Collection method: clinical testing. Allele origin: germline.

CeGaT Center for Human Genetics Tuebingen
Classification: Likely benign. Last evaluated: 2024-05-01. Review status: criteria provided, single submitter. Criteria: CeGaT Center For Human Genetics Tuebingen Variant Classification Criteria Version 2. Collection method: clinical testing. Allele origin: germline. Affected: yes. Observed: 1 variant allele.
Comment: TTN: BP4, BP7

Blueprint Genetics
Classification: Likely benign. Last evaluated: 2023-09-11. Review status: criteria provided, single submitter. Criteria: ACMG Guidelines, 2015. Collection method: clinical testing. Allele origin: germline.

Women's Health and Genetics/Laboratory Corporation of America, LabCorp
Classification: Likely benign. Last evaluated: 2022-08-15. Review status: criteria provided, single submitter. Criteria: LabCorp Variant Classification Summary - May 2015. Collection method: clinical testing. Allele origin: germline.

Illumina Laboratory Services, Illumina
Classification: Benign for Tibial muscular dystrophy. Last evaluated: 2018-01-12. Review status: criteria provided, single submitter. Criteria: ICSL Variant Classification Criteria 13 December 2019. Collection method: clinical testing. Allele origin: germline.
Comment: This variant was observed in the ICSL laboratory as part of a predisposition screen in an ostensibly healthy population. It had not been previously curated by ICSL or reported in the Human Gene Mutation Database (HGMD: prior to June 1st, 2018), and was therefore a candidate for classification through an automated scoring system. Utilizing variant allele frequency, disease prevalence and penetrance estimates, and inheritance mode, an automated score was calculated to assess if this variant is too frequent to cause the disease. Based on the score and internal cut-off values, a variant classified as benign is not then subjected to further curation. The score for this variant resulted in a classification of benign for this disease.

Illumina Laboratory Services, Illumina
Classification: Uncertain significance for Early-onset myopathy with fatal cardiomyopathy. Last evaluated: 2018-01-12. Review status: criteria provided, single submitter. Criteria: ICSL Variant Classification Criteria 13 December 2019. Collection method: clinical testing. Allele origin: germline.

Illumina Laboratory Services, Illumina
Classification: Uncertain significance for Autosomal recessive limb-girdle muscular dystrophy type 2J. Last evaluated: 2018-01-12. Review status: criteria provided, single submitter. Criteria: ICSL Variant Classification Criteria 13 December 2019. Collection method: clinical testing. Allele origin: germline.

Illumina Laboratory Services, Illumina
Classification: Benign for Myopathy, myofibrillar, 9, with early respiratory failure. Last evaluated: 2018-01-12. Review status: criteria provided, single submitter. Criteria: ICSL Variant Classification Criteria 13 December 2019. Collection method: clinical testing. Allele origin: germline.
Comment: the same text as in the submission from Illumina Laboratory Services, Illumina above.

Illumina Laboratory Services, Illumina
Classification: Uncertain significance for Dilated cardiomyopathy 1G. Last evaluated: 2018-01-12. Review status: criteria provided, single submitter. Criteria: ICSL Variant Classification Criteria 13 December 2019. Collection method: clinical testing. Allele origin: germline.

Eurofins Ntd Llc (ga)
Classification: Likely benign. Last evaluated: 2015-06-11. Review status: criteria provided, single submitter. Criteria: EGL Classification Definitions 2015. Collection method: clinical testing. Allele origin: germline. Observed: 1 variant allele, 1 heterozygote.

GeneDx
Classification: Benign. Last evaluated: 2014-09-15. Review status: criteria provided, single submitter. Criteria: GeneDx Variant Classification (06012015). Collection method: clinical testing. Allele origin: germline. Affected: yes.
Comment: This variant is considered likely benign or benign based on one or more of the following criteria: it is a conservative change, it occurs at a poorly conserved position in the protein, it is predicted to be benign by multiple in silico algorithms, and/or has population frequency not consistent with disease.

Ambry Genetics
Classification: Likely benign for Cardiovascular phenotype. Last evaluated: 2013-11-22. Review status: criteria provided, single submitter. Criteria: Ambry Autosomal Dominant and X-Linked criteria (10/2015). Collection method: clinical testing. Allele origin: germline. Observed: 1 variant allele.

Laboratory for Molecular Medicine, Mass General Brigham Personalized Medicine
Classification: Benign. Last evaluated: 2012-04-18. Review status: criteria provided, single submitter. Criteria: LMM Criteria. Collection method: clinical testing. Allele origin: germline. Observed: 2 variant alleles.
Comment: Arg29180Arg in exon 292 TTN: This variant is not expected to have clinical signi ficance because it does not alter an amino acid residue, is not located within t he splice consensus sequence, and it has been identified in 0.4% (13/3344) of Af rican American chromosomes from a broad population by the NHLBI Exome Sequencing Project

PreventionGenetics, part of Exact Sciences
Classification: Likely benign for TTN-related condition. Last evaluated: 2022-05-16. Review status: no assertion criteria provided. Collection method: clinical testing. Allele origin: germline. Not counted in ClinVar's aggregate classification.
Comment: This variant is classified as likely benign based on ACMG/AMP sequence variant interpretation guidelines (Richards et al. 2015 PMID: 25741868, with internal and published modifications).

Clinical Genetics DNA and cytogenetics Diagnostics Lab, Erasmus MC, Erasmus Medical Center
Classification: Likely benign. Review status: no assertion criteria provided. Collection method: clinical testing. Allele origin: germline. Affected: yes. Study: VKGL Data-share Consensus. Not counted in ClinVar's aggregate classification.

Diagnostic Laboratory, Department of Genetics, University Medical Center Groningen
Classification: Likely benign. Review status: no assertion criteria provided. Collection method: clinical testing. Allele origin: germline. Affected: yes. Study: VKGL Data-share Consensus. Not counted in ClinVar's aggregate classification.

Dr. Peter K. Rogan Lab, Western University
No classification provided (evidence only). Condition: Ovarian serous cystadenocarcinoma. Review status: no classification provided. Collection method: in vitro. Allele origin: not applicable. Functional consequence: retained intron. Not counted in ClinVar's aggregate classification.

NM_001267550.2(TTN):c.95244C>T (p.Arg31748=)

Genes: TTN-AS1 (TTN antisense RNA 1; plus strand), TTN (titin; minus strand). Cytogenetic location: 2q31.2.
Variant type: single nucleotide variant.
Coding change: c.95244C>T on transcript NM_001267550.2 (MANE Select); coding-DNA position 95244, C replaced by T.
Protein change: p.Arg31748=; no amino-acid change (arginine 31748 retained).
Molecular consequence: synonymous variant.
Genome position (GRCh38, 1-based): chr2:178,545,992, G>A on the plus strand (C>T on the coding strand, the complement: TTN is on the minus strand). VCF-style: chr2-178545992-G-A. GRCh37 (hg19) VCF-style: chr2-179410719-G-A.
Other names: p.R30107R:CGC>CGT; c.90321C>T, p.Arg30107= (NM_001256850.1); c.68049C>T, p.Arg22683= (NM_003319.4); c.87540C>T, p.Arg29180= (NM_133378.4); c.68424C>T, p.Arg22808= (NM_133432.3); c.68625C>T, p.Arg22875= (NM_133437.4).
Identifiers: ClinVar variation 47553 (VCV000047553.52), dbSNP rs368243641, ClinGen allele CA284115.
Genomic context (GRCh38, chr2:178,545,992, plus strand): 5'-GACATAGGATAGGGTTGGGCATTCGCCTTCAACAATCACCCAGTTGAGCCTGCTAGTCTC[G>A]CGTCTTTCCACGATGTAGTGAGTGATTTCTGCTCCTCCGTCTTCCTGCGGAAGGCTCCAG-3'
Protein context (NP_001254479.2, residues 31738-31758): AEITHYIVER[Arg31748=]ETSRLNWVIV